The following is an entry in ClinVar:

ClinVar aggregate classification (germline): Uncertain significance. Review status: criteria provided, multiple submitters, no conflicts (2 of 4 stars). 3 submissions from 3 submitters: Uncertain significance (3). Last evaluated 2025-03-20.

Conditions:
Inborn genetic diseases. Identifiers: MedGen C0950123, MeSH D030342.

Allele frequency attached by ClinVar (database versions not stated): gnomAD exomes below 0.00001; TOPMed below 0.00001.
gnomAD v4.1: 2 of 1,604,758 alleles (0.00012%); highest among the groups gnomAD compares: Non-Finnish European, 0.00017%; no homozygotes.

Submissions (3):

GeneDx
Classification: Uncertain significance. Last evaluated: 2025-03-20. Review status: criteria provided, single submitter. Criteria: GeneDx Variant Classification Process June 2021. Collection method: clinical testing. Allele origin: germline. Affected: yes.
Comment: Not observed at significant frequency in large population cohorts (gnomAD); In silico analysis indicates that this missense variant does not alter protein structure/function; Has not been previously published as pathogenic or benign to our knowledge

Ambry Genetics
Classification: Uncertain significance for Inborn genetic diseases. Last evaluated: 2025-01-03. Review status: criteria provided, single submitter. Criteria: Ambry Variant Classification Scheme 2023. Collection method: clinical testing. Allele origin: germline.

Labcorp Genetics (formerly Invitae), Labcorp
Classification: Uncertain significance. Last evaluated: 2022-06-24. Review status: criteria provided, single submitter. Criteria: Invitae Variant Classification Sherloc (09022015). Collection method: clinical testing. Allele origin: germline.
Comment: This variant is not present in population databases (gnomAD no frequency). In summary, the available evidence is currently insufficient to determine the role of this variant in disease. Therefore, it has been classified as a Variant of Uncertain Significance. Algorithms developed to predict the effect of missense changes on protein structure and function (SIFT, PolyPhen-2, Align-GVGD) all suggest that this variant is likely to be tolerated. This variant has not been reported in the literature in individuals affected with SLC34A3-related conditions. This sequence change replaces leucine, which is neutral and non-polar, with valine, which is neutral and non-polar, at codon 246 of the SLC34A3 protein (p.Leu246Val).

NM_001177316.2(SLC34A3):c.736C>G (p.Leu246Val)

Gene: SLC34A3 (solute carrier family 34 member 3; plus strand). Cytogenetic location: 9q34.3.
Variant type: single nucleotide variant.
Coding change: c.736C>G on transcript NM_001177316.2 (MANE Select); coding-DNA position 736, C replaced by G.
Protein change: p.Leu246Val; replaces leucine 246 with valine.
Molecular consequence: missense variant.
Genome position (GRCh38, 1-based): chr9:137,233,384, C>G. VCF-style: chr9-137233384-C-G. GRCh37 (hg19) VCF-style: chr9-140127836-C-G.
Other names: c.736C>G, p.Leu246Val (NM_001177317.2, NM_080877.3); c.736C>G (NM_080877.2); short protein forms L246V.
Identifiers: ClinVar variation 1924795 (VCV001924795.7), dbSNP rs944066507, ClinGen allele CA201695147.